The following is an entry in ClinVar:

ClinVar aggregate classification (germline): Conflicting classifications of pathogenicity. Review status: criteria provided, conflicting classifications (1 of 4 stars). 5 submissions from 5 submitters: Pathogenic (2); Likely pathogenic (2); Uncertain significance (1). Last evaluated 2025-12-10.

Conditions:
Spastic paraplegia. Identifiers: MedGen C0037772, HP:0001258.
MASA syndrome. Also called: MASA (Mental Retardation, Adducted Thumbs, Shuffling Gait, Aphasia) Syndrome, Including SPG1 (X-Linked Complicated Hereditary Spastic Paraplegia Type 1); MASA Syndrome (Mental Retardation, Adducted Thumbs, Shuffling Gait, and Aphasia); CRASH syndrome; SPASTIC PARAPLEGIA 1, X-LINKED; MENTAL RETARDATION, APHASIA, SHUFFLING GAIT, AND ADDUCTED THUMBS; ADDUCTED THUMB WITH MENTAL RETARDATION. Identifiers: Orphanet 2466, MedGen C0795953, MONDO:0010559, OMIM 303350.
X-linked hydrocephalus syndrome (HYCX). Also called: X-Linked Hydrocephalus with Stenosis of the Aqueduct of Sylvius (HSAS); AQUEDUCTAL STENOSIS, X-LINKED; X-Linked Hydrocephalus with Stenosis of the Aqueduct of Sylvius; HYDROCEPHALUS, CONGENITAL, X-LINKED; X-linked hydrocephalus. Identifiers: Orphanet 2182, MedGen C0265216, MONDO:0010611, OMIM 307000.
X-linked complicated corpus callosum dysgenesis. Also called: X-Linked Complicated Corpus Callosum Agenesis. Identifiers: Orphanet 1497, MedGen C1839909, MONDO:0010569, OMIM 304100.
L1CAM-related disorder. Also called: L1CAM-related condition.

Submissions (5):

Labcorp Genetics (formerly Invitae), Labcorp
Classification: Uncertain significance for Spastic paraplegia. Last evaluated: 2025-12-10. Review status: criteria provided, single submitter. Criteria: Invitae Variant Classification Sherloc (09022015). Collection method: clinical testing. Allele origin: germline.
Comment: This sequence change replaces aspartic acid, which is acidic and polar, with asparagine, which is neutral and polar, at codon 202 of the L1CAM protein (p.Asp202Asn). This variant is not present in population databases (gnomAD no frequency). This missense change has been observed in individuals with clinical features of L1CAM-related conditions and/or intellectual disability (PMID: 25644381, 25934484). ClinVar contains an entry for this variant (Variation ID: 689728). Invitae Evidence Modeling of protein sequence and biophysical properties (such as structural, functional, and spatial information, amino acid conservation, physicochemical variation, residue mobility, and thermodynamic stability) has been performed for this missense variant. However, the output from this modeling did not meet the statistical confidence thresholds required to predict the impact of this variant on L1CAM protein function. This variant disrupts the p.Asp202 amino acid residue in L1CAM. Other variant(s) that disrupt this residue have been observed in individuals with L1CAM-related conditions (PMID: 10805190), which suggests that this may be a clinically significant amino acid residue. In summary, the available evidence is currently insufficient to determine the role of this variant in disease. Therefore, it has been classified as a Variant of Uncertain Significance.

Daryl Scott Lab, Baylor College of Medicine
Classification: Pathogenic for L1CAM-related disorder. Last evaluated: 2025-08-25. Review status: criteria provided, single submitter. Criteria: ACMG Guidelines, 2015. Collection method: clinical testing. Allele origin: maternal. Affected: yes. Observed: 1 hemizygote.
Comment: PS3, PS4, PM2, PP1

3billion
Classification: Likely pathogenic for MASA syndrome. Last evaluated: 2023-08-25. Review status: criteria provided, single submitter. Criteria: ACMG Guidelines, 2015. Collection method: clinical testing. Allele origin: germline. Affected: yes.
Comment: The variant is not observed in the gnomAD v2.1.1 dataset. Predicted Consequence/Location: Missense variant In silico tool predictions suggest damaging effect of the variant on gene or gene product [REVEL: 0.79 (>=0.6, sensitivity 0.68 and specificity 0.92)] Same nucleotide change resulting in same amino acid change has been previously reported as pathogenic/likely pathogenic with strong evidence (ClinVar ID: VCV000689728 /PMID: 25644381). A different missense change at the same codon (p.Asp202Tyr) has been reported to be associated with L1CAM related disorder (PMID: 10805190). Therefore, this variant is classified as Likely pathogenic according to the recommendation of ACMG/AMP guideline.

GeneDx
Classification: Pathogenic. Last evaluated: 2022-07-08. Review status: criteria provided, single submitter. Criteria: GeneDx Variant Classification Process June 2021. Collection method: clinical testing. Allele origin: germline. Affected: yes.
Comment: Published functional studies in a mouse model demonstrate L1 syndrome phenotype; mouse neurons had reduced outgrowth, migration, and survival (Loers et al., 2021); Not observed at significant frequency in large population cohorts (gnomAD); In silico analysis supports that this missense variant has a deleterious effect on protein structure/function; This variant is associated with the following publications: (PMID: 25934484, 25644381, 31216405, 32404617, 26891472, 25641508, 33484186)

Baylor Genetics
Classification: Likely pathogenic for X-linked complicated corpus callosum dysgenesis; X-linked hydrocephalus syndrome; MASA syndrome. Last evaluated: 2018-10-12. Review status: criteria provided, single submitter. Criteria: ACMG Guidelines, 2015. Collection method: clinical testing. Allele origin: germline. Affected: yes.

Literature cited by the submitters: PubMed 25644381 (cited by 3 submitters); PubMed 25934484 (cited by Labcorp Genetics (formerly Invitae), Labcorp); PubMed 10805190 (cited by Labcorp Genetics (formerly Invitae), Labcorp and 3billion).

NM_001278116.2(L1CAM):c.604G>A (p.Asp202Asn)

Gene: L1CAM (L1 cell adhesion molecule; minus strand). Cytogenetic location: Xq28.
Variant type: single nucleotide variant.
Coding change: c.604G>A on transcript NM_001278116.2 (MANE Select); coding-DNA position 604, G replaced by A.
Protein change: p.Asp202Asn; replaces aspartic acid 202 with asparagine.
Molecular consequence: missense variant.
Genome position (GRCh38, 1-based): chrX:153,870,880, C>T on the plus strand (G>A on the coding strand, the complement: L1CAM is on the minus strand). VCF-style: chrX-153870880-C-T. GRCh37 (hg19) VCF-style: chrX-153136335-C-T.
Other names: c.604G>A, p.Asp202Asn (NM_000425.5, NM_024003.3); c.589G>A, p.Asp197Asn (NM_001143963.2); short protein forms D202N, D197N.
Identifiers: ClinVar variation 689728 (VCV000689728.8), dbSNP rs1603276146, ClinGen allele CA415135433.